The following is an entry in ClinVar:

NM_000334.4(SCN4A):c.2398CTG[2] (p.Leu802del)

Genes: GH-LCR (growth hormone locus control region; plus strand), SCN4A (sodium voltage-gated channel alpha subunit 4; minus strand). Cytogenetic location: 17q23.3.
Variant type: Microsatellite.
Coding change: c.2398CTG[2] on transcript NM_000334.4 (MANE Select); two copies in a row of the 3-base unit CTG starting at c.2398; the reference has three copies in a row; one copy, 3 bases deleted; also written c.2404_2406del.
Protein change: p.Leu802del; deletes leucine 802.
Molecular consequence: inframe deletion.
Genome position (GRCh38, 1-based): chr17:63,951,871-63,951,873, CAG deleted on the plus strand (CTG on the coding strand, the reverse complement: SCN4A is on the minus strand); deleting any 3 consecutive bases within chr17:63,951,871-63,951,879 gives the same sequence; the position shown is the placement nearest the transcript's 3' end. VCF-style (leftmost placement, unchanged base first): chr17-63951870-TCAG-T. GRCh37 (hg19) VCF-style: chr17-62029230-TCAG-T.
Other names: c.2404_2406del (NM_000334.4); short protein forms L802del.
Identifiers: ClinVar variation 2435710 (VCV002435710.5), dbSNP rs2509300700, ClinGen allele CA2580613251.

ClinVar aggregate classification (germline): Uncertain significance. Review status: criteria provided, multiple submitters, no conflicts (2 of 4 stars). 2 submissions from 2 submitters: Uncertain significance (2). Last evaluated 2024-11-22.

Conditions:
Hyperkalemic periodic paralysis. Also called: Familial hyperkalemic periodic paralysis; Gamstorp disease. Identifiers: Orphanet 682, MedGen C0238357, MONDO:0008224, OMIM 170500, HP:0007215.

Submissions (2):

Labcorp Genetics (formerly Invitae), Labcorp
Classification: Uncertain significance for Hyperkalemic periodic paralysis. Last evaluated: 2024-11-22. Review status: criteria provided, single submitter. Criteria: Invitae Variant Classification Sherloc (09022015). Collection method: clinical testing. Allele origin: germline.
Comment: This variant, c.2404_2406del, results in the deletion of 1 amino acid(s) of the SCN4A protein (p.Leu802del), but otherwise preserves the integrity of the reading frame. This variant is not present in population databases (gnomAD no frequency). This variant has not been reported in the literature in individuals affected with SCN4A-related conditions. ClinVar contains an entry for this variant (Variation ID: 2435710). Experimental studies and prediction algorithms are not available or were not evaluated, and the functional significance of this variant is currently unknown. In summary, the available evidence is currently insufficient to determine the role of this variant in disease. Therefore, it has been classified as a Variant of Uncertain Significance.

Revvity Omics, Revvity
Classification: Uncertain significance. Last evaluated: 2019-10-07. Review status: criteria provided, single submitter. Criteria: ACMG Guidelines, 2015. Collection method: clinical testing. Allele origin: germline.